The following is an entry in ClinVar:

NM_000548.5(TSC2):c.3336G>A (p.Leu1112=)

Gene: TSC2 (TSC complex subunit 2; plus strand). Cytogenetic location: 16p13.3.
Variant type: single nucleotide variant.
Coding change: c.3336G>A on transcript NM_000548.5 (MANE Select); coding-DNA position 3336, G replaced by A.
Protein change: p.Leu1112=; no amino-acid change (leucine 1112 retained).
Molecular consequence: synonymous variant. On other transcripts: non-coding transcript variant (5).
Genome position (GRCh38, 1-based): chr16:2,079,608, G>A. VCF-style: chr16-2079608-G-A. GRCh37 (hg19) VCF-style: chr16-2129609-G-A.
Other names: c.1863G>A, p.Leu621= (NM_001406690.1, NM_001406692.1, NM_001406693.1 and 1 more transcripts); c.3204G>A, p.Leu1068= (NM_001077183.3, NM_001370404.1, NM_001406665.1); c.3336G>A, p.Leu1112= (NM_001114382.3); c.3096G>A, p.Leu1032= (NM_001318827.2); c.3060G>A, p.Leu1020= (NM_001318829.2); c.2604G>A, p.Leu868= (NM_001318831.2, NM_001406687.1, NM_001406688.1); c.3237G>A, p.Leu1079= (NM_001318832.2); c.3207G>A, p.Leu1069= (NM_001363528.2, NM_001370405.1, NM_021055.3); and 18 more.
Identifiers: ClinVar variation 4071211 (VCV004071211.1).

ClinVar aggregate classification (germline): Benign (1 of 4 stars; one submission).

Conditions:
Tuberous sclerosis 2 (TSC2). Identifiers: Orphanet 805, MedGen C1860707, MONDO:0013199, OMIM 613254.

Submission:

Myriad Genetics, Inc.
Classification: Benign for Tuberous sclerosis 2. Last evaluated: 2025-05-28. Review status: criteria provided, single submitter. Criteria: Myriad Autosomal Dominant, Autosomal Recessive and X-Linked Classification Criteria (2023). Collection method: clinical testing. Allele origin: unknown.
Comment: This variant is considered benign. This variant is a silent/synonymous amino acid change and it is not expected to impact splicing.